The following is an entry in ClinVar:

ClinVar aggregate classification (germline): Benign/Likely benign. Review status: criteria provided, multiple submitters, no conflicts (2 of 4 stars). 4 submissions from 4 submitters: Benign (2); Likely benign (1). 1 of the submissions does not count toward it. Last evaluated 2025-12-28.

Conditions:
TRPM1-related disorder. Also called: TRPM1-related condition.
Congenital stationary night blindness 1C. Also called: Night blindness, congenital stationary (complete), 1C, autosomal recessive. Identifiers: Orphanet 215, MedGen C2750747, MONDO:0013183, OMIM 613216.

Allele frequency attached by ClinVar (database versions not stated): gnomAD 0.00016 and 0.00029; gnomAD exomes 0.00031 and 0.00077; TOPMed 0.00043; ExAC 0.00081; 1000 Genomes Project 30x 0.00141; 1000 Genomes Project 0.00160.
gnomAD v4.1: 502 of 1,613,990 alleles (0.031%); highest among the groups gnomAD compares: East Asian, 1%; 6 homozygotes.

Submissions (4):

Labcorp Genetics (formerly Invitae), Labcorp
Classification: Benign. Last evaluated: 2025-12-28. Review status: criteria provided, single submitter. Criteria: Invitae Variant Classification Sherloc (09022015). Collection method: clinical testing. Allele origin: germline.

Blueprint Genetics
Classification: Likely benign. Last evaluated: 2024-11-04. Review status: criteria provided, single submitter. Criteria: ACMG Guidelines, 2015. Collection method: clinical testing. Allele origin: germline.

Illumina Laboratory Services, Illumina
Classification: Benign for Congenital stationary night blindness 1C. Last evaluated: 2018-01-13. Review status: criteria provided, single submitter. Criteria: ICSL Variant Classification Criteria 13 December 2019. Collection method: clinical testing. Allele origin: germline.
Comment: This variant was observed in the ICSL laboratory as part of a predisposition screen in an ostensibly healthy population. It had not been previously curated by ICSL or reported in the Human Gene Mutation Database (HGMD: prior to June 1st, 2018), and was therefore a candidate for classification through an automated scoring system. Utilizing variant allele frequency, disease prevalence and penetrance estimates, and inheritance mode, an automated score was calculated to assess if this variant is too frequent to cause the disease. Based on the score and internal cut-off values, a variant classified as benign is not then subjected to further curation. The score for this variant resulted in a classification of benign for this disease.

PreventionGenetics, part of Exact Sciences
Classification: Likely benign for TRPM1-related condition. Last evaluated: 2024-06-20. Review status: no assertion criteria provided. Collection method: clinical testing. Allele origin: germline. Not counted in ClinVar's aggregate classification.
Comment: This variant is classified as likely benign based on ACMG/AMP sequence variant interpretation guidelines (Richards et al. 2015 PMID: 25741868, with internal and published modifications).

NM_001252024.2(TRPM1):c.4812G>C (p.Val1604=)

Gene: TRPM1 (transient receptor potential cation channel subfamily M member 1; minus strand). Cytogenetic location: 15q13.3.
Variant type: single nucleotide variant.
Coding change: c.4812G>C on transcript NM_001252024.2 (MANE Select); coding-DNA position 4812, G replaced by C.
Protein change: p.Val1604=; no amino-acid change (valine 1604 retained).
Molecular consequence: synonymous variant.
Genome position (GRCh38, 1-based): chr15:31,001,888, C>G on the plus strand (G>C on the coding strand, the complement: TRPM1 is on the minus strand). VCF-style: chr15-31001888-C-G. GRCh37 (hg19) VCF-style: chr15-31294091-C-G.
Other names: c.4863G>C, p.Val1621= (NM_001252020.2); c.4746G>C, p.Val1582= (NM_002420.6); c.4863G>C (NM_001252020.1).
Identifiers: ClinVar variation 886263 (VCV000886263.14), dbSNP rs143866050, ClinGen allele CA7451571.